The following is an entry in ClinVar:

NM_001161352.2(KCNMA1):c.162_173del (p.Ser57_Ser60del)

Gene: KCNMA1 (potassium calcium-activated channel subfamily M alpha 1; minus strand). Cytogenetic location: 10q22.3.
Variant type: Deletion.
Coding change: c.162_173del on transcript NM_001161352.2 (MANE Select); coding-DNA positions 162 to 173, 12 bases deleted (CTCTTCCTCCTC).
Protein change: p.Ser57_Ser60del.
Molecular consequence: inframe deletion.
Genome position (GRCh38, 1-based): chr10:77,637,470-77,637,481, GAGGAGGAAGAG deleted on the plus strand (CTCTTCCTCCTC on the coding strand, the reverse complement: KCNMA1 is on the minus strand); deleting any 12 consecutive bases within chr10:77,637,470-77,637,492 gives the same sequence; the c. name uses the placement nearest the transcript's 3' end. VCF-style (leftmost placement, unchanged base first): chr10-77637469-CGAGGAGGAAGAG-C. GRCh37 (hg19) VCF-style: chr10-79397227-CGAGGAGGAAGAG-C.
Other names: c.162_173del (NM_002247.3); c.162_173del, p.Ser57_Ser60del (NM_001014797.3, NM_001161353.2, NM_001271518.2 and 12 more transcripts); c.162_173del12 (NM_002247.3).
Identifiers: ClinVar variation 193230 (VCV000193230.33), dbSNP rs754606765, ClinGen allele CA238747.

ClinVar aggregate classification (germline): Conflicting classifications of pathogenicity. Review status: criteria provided, conflicting classifications (1 of 4 stars). 6 submissions from 6 submitters: Uncertain significance (1); Benign (1); Likely benign (3). 1 of the submissions does not count toward it. Last evaluated 2026-08-01.

Conditions:
KCNMA1-related disorder. Also called: KCNMA1-related disorders; KCNMA1-related condition.
Generalized epilepsy-paroxysmal dyskinesia syndrome (PNKD3). Also called: Paroxysmal nonkinesigenic dyskinesia, 3, with or without generalized epilepsy; Generalized epilepsy and paroxysmal dyskinesia. Identifiers: Orphanet 79137, MedGen C5574945, MONDO:0012276, OMIM 609446.
Cerebellar atrophy, developmental delay, and seizures. Identifiers: MedGen C4539985, MONDO:0060551, OMIM 617643.

Submissions (6):

CeGaT Center for Human Genetics Tuebingen
Classification: Likely benign. Last evaluated: 2026-08-01. Review status: criteria provided, single submitter. Criteria: CeGaT Center For Human Genetics Tuebingen Variant Classification Criteria Version 2. Collection method: clinical testing. Allele origin: germline. Affected: yes. Observed: 7 variant alleles.
Comment: KCNMA1: BS1

Labcorp Genetics (formerly Invitae), Labcorp
Classification: Uncertain significance for Generalized epilepsy-paroxysmal dyskinesia syndrome. Last evaluated: 2026-02-02. Review status: criteria provided, single submitter. Criteria: Invitae Variant Classification Sherloc (09022015). Collection method: clinical testing. Allele origin: germline.
Comment: This variant, c.162_173del, results in the deletion of 4 amino acid(s) of the KCNMA1 protein (p.Ser57_Ser60del), but otherwise preserves the integrity of the reading frame. The frequency data for this variant in the population databases is considered unreliable, as metrics indicate poor data quality at this position in the gnomAD database. This variant has not been reported in the literature in individuals affected with KCNMA1-related conditions. ClinVar contains an entry for this variant (Variation ID: 193230). Experimental studies and prediction algorithms are not available or were not evaluated, and the functional significance of this variant is currently unknown. In summary, the available evidence is currently insufficient to determine the role of this variant in disease. Therefore, it has been classified as a Variant of Uncertain Significance.

Blueprint Genetics
Classification: Likely benign. Last evaluated: 2024-11-22. Review status: criteria provided, single submitter. Criteria: ACMG Guidelines, 2015. Collection method: clinical testing. Allele origin: germline.

GeneDx
Classification: Benign. Last evaluated: 2018-11-01. Review status: criteria provided, single submitter. Criteria: GeneDx Variant Classification Process June 2021. Collection method: clinical testing. Allele origin: germline. Affected: yes.

Eurofins Ntd Llc (ga)
Classification: Likely benign. Last evaluated: 2016-06-19. Review status: criteria provided, single submitter. Criteria: EGL Classification Definitions 2015. Collection method: clinical testing. Allele origin: germline. Observed: 4 variant alleles, 4 heterozygotes.

PreventionGenetics, part of Exact Sciences
Classification: Likely benign for KCNMA1-related condition. Last evaluated: 2020-02-05. Review status: no assertion criteria provided. Collection method: clinical testing. Allele origin: germline. Not counted in ClinVar's aggregate classification.
Comment: This variant is classified as likely benign based on ACMG/AMP sequence variant interpretation guidelines (Richards et al. 2015 PMID: 25741868, with internal and published modifications).